The following is an entry in ClinVar:

ClinVar aggregate classification (germline): Pathogenic (1 of 4 stars; one submission).

Conditions:
Hyperinsulinemic hypoglycemia, familial, 1 (HHF1). Also called: HYPERINSULINISM, FAMILIAL, WITH PANCREATIC NESIDIOBLASTOSIS; HYPOGLYCEMIA, HYPERINSULINEMIC, OF INFANCY; NESIDIOBLASTOSIS OF PANCREAS; Persistent Hyperinsulinemia Hypoglycemia of Infancy; Persistent hyperinsulinemic hypoglycemia of infancy. Identifiers: Orphanet 276575, Orphanet 276598, MedGen C2931832, MONDO:0009734, OMIM 256450.

Submission:

Myriad Genetics, Inc.
Classification: Pathogenic for Hyperinsulinemic hypoglycemia, familial, 1. Last evaluated: 2023-09-05. Review status: criteria provided, single submitter. Criteria: Myriad Autosomal Dominant, Autosomal Recessive and X-Linked Classification Criteria (2023). Collection method: clinical testing. Allele origin: unknown.
Comment: NM_000352.3(ABCC8):c.3118_3119delGC(A1040Pfs*73) is expected to be pathogenic in the context of familial hyperinsulinism, ABCC8-related. This variant is predicted to lead to an abnormal or absent protein product due to the creation of a premature termination codon in ABCC8, a gene where loss-of-function variants are known to be pathogenic. Please note: this variant was assessed in the context of healthy population screening.

NM_000352.6(ABCC8):c.3118_3119del (p.Ala1040fs)

Gene: ABCC8 (ATP binding cassette subfamily C member 8; minus strand). Cytogenetic location: 11p15.1.
Variant type: Microsatellite.
Coding change: c.3118_3119del on transcript NM_000352.6 (MANE Select); coding-DNA positions 3118 to 3119, 2 bases deleted (GC; older notation c.3118_3119delGC).
Protein change: p.Ala1040fs; shifts the reading frame from alanine 1040.
Molecular consequence: frameshift variant. On other transcripts: non-coding transcript variant (1).
Genome position (GRCh38, 1-based): chr11:17,406,931-17,406,932, GC deleted on the plus strand (GC on the coding strand, the reverse complement: ABCC8 is on the minus strand); deleting any 2 consecutive bases within chr11:17,406,931-17,406,934 gives the same sequence; the c. name uses the placement nearest the transcript's 3' end. VCF-style (leftmost placement, unchanged base first): chr11-17406930-GGC-G. GRCh37 (hg19) VCF-style: chr11-17428477-GGC-G.
Other names: c.3121_3122del, p.Ala1041fs (NM_001287174.3); c.3184_3185del, p.Ala1062fs (NM_001351295.2); c.3118_3119del, p.Ala1040fs (NM_001351296.2); c.3115_3116del, p.Ala1039fs (NM_001351297.2); short protein forms A1039fs, A1040fs, A1041fs, A1062fs.
Identifiers: ClinVar variation 5011561 (VCV005011561.1).